The following is an entry in ClinVar:

ClinVar aggregate classification (germline): Uncertain significance (1 of 4 stars; one submission).

Submission:

Labcorp Genetics (formerly Invitae), Labcorp
Classification: Uncertain significance. Last evaluated: 2025-11-10. Review status: criteria provided, single submitter. Criteria: Invitae Variant Classification Sherloc (09022015). Collection method: clinical testing. Allele origin: germline.
Comment: This sequence change replaces leucine, which is neutral and non-polar, with valine, which is neutral and non-polar, at codon 3762 of the HSPG2 protein (p.Leu3762Val). This variant is not present in population databases (gnomAD no frequency). This variant has not been reported in the literature in individuals affected with HSPG2-related conditions. ClinVar contains an entry for this variant (Variation ID: 2088898). An algorithm developed to predict the effect of missense changes on protein structure and function (PolyPhen-2) suggests that this variant is likely to be disruptive. In summary, the available evidence is currently insufficient to determine the role of this variant in disease. Therefore, it has been classified as a Variant of Uncertain Significance.

NM_005529.7(HSPG2):c.11284C>G (p.Leu3762Val)

Gene: HSPG2 (heparan sulfate proteoglycan 2; minus strand). Cytogenetic location: 1p36.12.
Variant type: single nucleotide variant.
Coding change: c.11284C>G on transcript NM_005529.7 (MANE Select); coding-DNA position 11284, C replaced by G.
Protein change: p.Leu3762Val; replaces leucine 3762 with valine.
Molecular consequence: missense variant.
Genome position (GRCh38, 1-based): chr1:21,831,720, G>C on the plus strand (C>G on the coding strand, the complement: HSPG2 is on the minus strand). VCF-style: chr1-21831720-G-C. GRCh37 (hg19) VCF-style: chr1-22158213-G-C.
Other names: c.11287C>G, p.Leu3763Val (NM_001291860.2); short protein forms L3763V, L3762V.
Identifiers: ClinVar variation 2088898 (VCV002088898.4), dbSNP rs1401583831, ClinGen allele CA338905224.
Genomic context (GRCh38, chr1:21,831,720, plus strand): 5'-TCCCATTGACCGGGGCCAGGTCACCCACAATCAGGGAGCCCTGGGTGAGGCTGCGCAGCA[G>C]GGTCACGGTGTGGAAATGGCCCAGGGCCAGTGGTGTGGGATGGCGGATGGTGGCCATGCC-3'
Protein context (NP_005520.4, residues 3752-3772): LALGHFHTVT[Leu3762Val]LRSLTQGSLI